The following is an entry in ClinVar:

ClinVar aggregate classification (germline): Uncertain significance (1 of 4 stars; one submission).

Submission:

GeneDx
Classification: Uncertain significance. Last evaluated: 2022-03-01. Review status: criteria provided, single submitter. Criteria: GeneDx Variant Classification Process June 2021. Collection method: clinical testing. Allele origin: germline. Affected: yes.
Comment: Has not been previously published as pathogenic or benign to our knowledge; Not observed at significant frequency in large population cohorts (gnomAD); In silico analysis supports that this missense variant has a deleterious effect on protein structure/function

NM_001429.4(EP300):c.4844C>G (p.Pro1615Arg)

Gene: EP300 (E1A binding protein p300; plus strand). Cytogenetic location: 22q13.2.
Variant type: single nucleotide variant.
Coding change: c.4844C>G on transcript NM_001429.4 (MANE Select); coding-DNA position 4844, C replaced by G.
Protein change: p.Pro1615Arg; replaces proline 1615 with arginine.
Molecular consequence: missense variant.
Genome position (GRCh38, 1-based): chr22:41,176,311, C>G. VCF-style: chr22-41176311-C-G. GRCh37 (hg19) VCF-style: chr22-41572315-C-G.
Other names: c.4766C>G, p.Pro1589Arg (NM_001362843.2); short protein forms P1589R, P1615R.
Identifiers: ClinVar variation 1703986 (VCV001703986.2), dbSNP rs2145512487, ClinGen allele CA411706911.
Genomic context (GRCh38, chr22:41,176,311, plus strand): 5'-TCTTTGTGATCCGCCTCATTGCTGGCCCTGCTGCCAACTCCCTGCCTCCCATTGTTGATC[C>G]TGATCCTCTCATCCCCTGCGATCTGATGGATGGTCGGGATGCGTTTCTCACGCTGGCAAG-3'
Protein context (NP_001420.2, residues 1605-1625): AANSLPPIVD[Pro1615Arg]DPLIPCDLMD